The following is an entry in ClinVar:

NM_004994.3(MMP9):c.1232A>G (p.His411Arg)

Gene: MMP9 (matrix metallopeptidase 9; plus strand). Cytogenetic location: 20q13.12.
Variant type: single nucleotide variant.
Coding change: c.1232A>G on transcript NM_004994.3 (MANE Select); coding-DNA position 1232, A replaced by G.
Protein change: p.His411Arg; replaces histidine 411 with arginine.
Molecular consequence: missense variant.
Genome position (GRCh38, 1-based): chr20:46,012,484, A>G. VCF-style: chr20-46012484-A-G. GRCh37 (hg19) VCF-style: chr20-44641123-A-G.
Other names: short protein forms H411R.
Identifiers: ClinVar variation 4707956 (VCV004707956.1).

ClinVar aggregate classification (germline): Uncertain significance (1 of 4 stars; one submission).

Submission:

Labcorp Genetics (formerly Invitae), Labcorp
Classification: Uncertain significance. Last evaluated: 2025-02-06. Review status: criteria provided, single submitter. Criteria: Invitae Variant Classification Sherloc (09022015). Collection method: clinical testing. Allele origin: germline.
Comment: This sequence change replaces histidine, which is basic and polar, with arginine, which is basic and polar, at codon 411 of the MMP9 protein (p.His411Arg). This variant is present in population databases (rs749803246, gnomAD 0.003%). This variant has not been reported in the literature in individuals affected with MMP9-related conditions. Invitae Evidence Modeling of protein sequence and biophysical properties (such as structural, functional, and spatial information, amino acid conservation, physicochemical variation, residue mobility, and thermodynamic stability) indicates that this missense variant is expected to disrupt MMP9 protein function with a positive predictive value of 80%. In summary, the available evidence is currently insufficient to determine the role of this variant in disease. Therefore, it has been classified as a Variant of Uncertain Significance.